The following is an entry in ClinVar:

NM_014625.4(NPHS2):c.234C>G (p.Thr78=)

Gene: NPHS2 (NPHS2 stomatin family member, podocin; minus strand). Cytogenetic location: 1q25.2.
Variant type: single nucleotide variant.
Coding change: c.234C>G on transcript NM_014625.4 (MANE Select); coding-DNA position 234, C replaced by G.
Protein change: p.Thr78=; no amino-acid change (threonine 78 retained).
Molecular consequence: synonymous variant.
Genome position (GRCh38, 1-based): chr1:179,575,631, G>C on the plus strand (C>G on the coding strand, the complement: NPHS2 is on the minus strand). VCF-style: chr1-179575631-G-C. GRCh37 (hg19) VCF-style: chr1-179544766-G-C.
Other names: c.234C>G, p.Thr78= (NM_001297575.2).
Identifiers: ClinVar variation 2639591 (VCV002639591.27), dbSNP rs1215237605, ClinGen allele CA421995838.

ClinVar aggregate classification (germline): Likely benign. Review status: criteria provided, multiple submitters, no conflicts (2 of 4 stars). 2 submissions from 2 submitters: Likely benign (2). Last evaluated 2023-12-11.

Allele frequency attached by ClinVar (database versions not stated): gnomAD exomes 0.00001.
gnomAD v4.1: 3 of 1,603,558 alleles (0.00019%); highest among the groups gnomAD compares: Non-Finnish European, 0.00025%; no homozygotes.

Submissions (2):

Labcorp Genetics (formerly Invitae), Labcorp
Classification: Likely benign. Last evaluated: 2023-12-11. Review status: criteria provided, single submitter. Criteria: Invitae Variant Classification Sherloc (09022015). Collection method: clinical testing. Allele origin: germline.

CeGaT Center for Human Genetics Tuebingen
Classification: Likely benign. Last evaluated: 2022-03-01. Review status: criteria provided, single submitter. Criteria: CeGaT Center For Human Genetics Tuebingen Variant Classification Criteria Version 2. Collection method: clinical testing. Allele origin: germline. Affected: yes. Observed: 1 variant allele.
Comment: NPHS2: BP4, BP7